The following is an entry in ClinVar:

NC_000006.12:g.(?_64230582)_(64230834_?)dup

Gene: EYS (eyes shut homolog; minus strand). Cytogenetic location: 6q12.
Variant type: Duplication.
Identifiers: ClinVar variation 833091 (VCV000833091.1).

ClinVar aggregate classification (germline): Likely pathogenic (1 of 4 stars; one submission).

Submission:

Labcorp Genetics (formerly Invitae), Labcorp
Classification: Likely pathogenic. Last evaluated: 2019-05-03. Review status: criteria provided, single submitter. Criteria: Invitae Variant Classification Sherloc (09022015). Collection method: clinical testing. Allele origin: germline.
Comment: This variant results in a copy number gain of the genomic region encompassing exons 31 of the EYS gene. While the exact position of this variant cannot be determined from this data, sub-genic copy number gains are generally in tandem (PMID: 25640679) and may result in an absent or disrupted protein product. This variant has not been reported in the literature in individuals with EYS-related conditions. Loss-of-function variants in EYS are known to be pathogenic (PMID: 18836446, 20333770). In summary, the currently available evidence indicates that the variant is pathogenic, but additional data are needed to prove that conclusively. Therefore, this variant has been classified as Likely Pathogenic.